The following is an entry in ClinVar:

NM_001377.3(DYNC2H1):c.7694T>G (p.Leu2565Ter)

Gene: DYNC2H1 (dynein cytoplasmic 2 heavy chain 1; plus strand). Cytogenetic location: 11q22.3.
Variant type: single nucleotide variant.
Coding change: c.7694T>G on transcript NM_001377.3 (MANE Select); coding-DNA position 7694, T replaced by G.
Protein change: p.Leu2565Ter; replaces leucine 2565 with a stop codon.
Molecular consequence: nonsense.
Genome position (GRCh38, 1-based): chr11:103,192,250, T>G. VCF-style: chr11-103192250-T-G. GRCh37 (hg19) VCF-style: chr11-103062979-T-G.
Other names: c.7694T>G, p.Leu2565Ter (NM_001080463.2); short protein forms L2565*.
Identifiers: ClinVar variation 5016147 (VCV005016147.1).

ClinVar aggregate classification (germline): Pathogenic (1 of 4 stars; one submission).

Conditions:
Asphyxiating thoracic dystrophy 3. Also called: SHORT-RIB THORACIC DYSPLASIA 3 WITH OR WITHOUT POLYDACTYLY; POLYDACTYLY WITH NEONATAL CHONDRODYSTROPHY, TYPE I; SHORT-RIB THORACIC DYSPLASIA 3/6 WITH POLYDACTYLY, DIGENIC; Short rib polydactyly syndrome 2B; Saldino-Noonan Syndrome. Identifiers: Orphanet 474, Orphanet 93269, Orphanet 93270, Orphanet 93271, MedGen C0036069, MONDO:0013127, OMIM 613091.

Submission:

Myriad Genetics, Inc.
Classification: Pathogenic for Asphyxiating thoracic dystrophy 3. Last evaluated: 2026-07-19. Review status: criteria provided, single submitter. Criteria: Myriad Autosomal Dominant, Autosomal Recessive and X-Linked Classification Criteria (2023). Collection method: clinical testing. Allele origin: unknown.
Comment: NM_001377.2(DYNC2H1):c.7694T>G(L2565*) is expected to be pathogenic in the context of DYNC2H1-related disorders. This variant is predicted to lead to an abnormal or absent protein product due to the creation of a premature termination codon in DYNC2H1, a gene where loss-of-function variants are known to be pathogenic. Please note: this variant was assessed in the context of healthy population screening.